The following is an entry in ClinVar:

NM_005732.4(RAD50):c.3209A>G (p.Asn1070Ser)

Gene: RAD50 (RAD50 double strand break repair protein; plus strand). Cytogenetic location: 5q31.1.
Variant type: single nucleotide variant.
Coding change: c.3209A>G on transcript NM_005732.4 (MANE Select); coding-DNA position 3209, A replaced by G.
Protein change: p.Asn1070Ser; replaces asparagine 1070 with serine.
Molecular consequence: missense variant.
Genome position (GRCh38, 1-based): chr5:132,618,114, A>G. VCF-style: chr5-132618114-A-G. GRCh37 (hg19) VCF-style: chr5-131953806-A-G.
Other names: short protein forms N1070S.
Identifiers: ClinVar variation 1728888 (VCV001728888.5), dbSNP rs774590729, ClinGen allele CA3405541.
Genomic context (GRCh38, chr5:132,618,114, plus strand): 5'-TTTTTCTTTTTTACAGTGAACATCAGAAGTTGGAAGAGAACATAGACAATATAAAAAGAA[A>G]TCATAATTTGGCATTAGGGCGACAGAAAGGTTATGAAGAAGAAATTATTCATTTTAAGAA-3'
Protein context (NP_005723.2, residues 1060-1080): LEENIDNIKR[Asn1070Ser]HNLALGRQKG

ClinVar aggregate classification (germline): Uncertain significance. Review status: criteria provided, multiple submitters, no conflicts (2 of 4 stars). 2 submissions from 2 submitters: Uncertain significance (2). Last evaluated 2024-09-15.

Conditions:
Hereditary cancer-predisposing syndrome. Also called: Tumor predisposition; Neoplastic Syndromes, Hereditary; Hereditary Cancer Syndrome; Hereditary neoplastic syndrome. Identifiers: Orphanet 140162, MedGen C0027672, MeSH D009386, MONDO:0015356.

Allele frequency attached by ClinVar (database versions not stated): gnomAD exomes below 0.00001; ExAC 0.00001.
gnomAD v4.1: 2 of 1,613,788 alleles (0.00012%); highest among the groups gnomAD compares: Admixed American, 0.0033%; no homozygotes.

Submissions (2):

Labcorp Genetics (formerly Invitae), Labcorp
Classification: Uncertain significance for Hereditary cancer-predisposing syndrome. Last evaluated: 2024-09-15. Review status: criteria provided, single submitter. Criteria: Invitae Variant Classification Sherloc (09022015). Collection method: clinical testing. Allele origin: germline.
Comment: This sequence change replaces asparagine, which is neutral and polar, with serine, which is neutral and polar, at codon 1070 of the RAD50 protein (p.Asn1070Ser). This variant is present in population databases (rs774590729, gnomAD 0.006%). This variant has not been reported in the literature in individuals affected with RAD50-related conditions. ClinVar contains an entry for this variant (Variation ID: 1728888). Invitae Evidence Modeling of protein sequence and biophysical properties (such as structural, functional, and spatial information, amino acid conservation, physicochemical variation, residue mobility, and thermodynamic stability) indicates that this missense variant is not expected to disrupt RAD50 protein function with a negative predictive value of 80%. In summary, the available evidence is currently insufficient to determine the role of this variant in disease. Therefore, it has been classified as a Variant of Uncertain Significance.

Ambry Genetics
Classification: Uncertain significance for Hereditary cancer-predisposing syndrome. Last evaluated: 2015-12-09. Review status: criteria provided, single submitter. Criteria: Ambry Variant Classification Scheme 2023. Collection method: clinical testing. Allele origin: germline.
Comment: The p.N1070S variant (also known as c.3209A>G), located in coding exon 21 of the RAD50 gene, results from an A to G substitution at nucleotide position 3209. The asparagine at codon 1070 is replaced by serine, an amino acid with highly similar properties. This variant was not reported in population based cohorts in the following databases: Database of Single Nucleotide Polymorphisms (dbSNP), NHLBI Exome Sequencing Project (ESP), and 1000 Genomes Project. In the ESP, this variant was not observed in 6502 samples (13004 alleles) with coverage at this position. To date, this alteration has been detected with an allele frequency of approximately 0.001% (greater than 120000 alleles tested) in our clinical cohort. This amino acid position is highly conserved in available vertebrate species. In addition, this alteration is predicted to be tolerated by in silico analysis. Since supporting evidence is limited at this time, the clinical significance of p.N1070S remains unclear.